The following is an entry in ClinVar:

NM_033026.6(PCLO):c.1501_1560del (p.Ser501_Ser520del)

Gene: PCLO (piccolo presynaptic cytomatrix protein; minus strand). Cytogenetic location: 7q21.11.
Variant type: Deletion.
Coding change: c.1501_1560del on transcript NM_033026.6 (MANE Select); coding-DNA positions 1501 to 1560, 60 bases deleted.
Protein change: p.Ser501_Ser520del.
Molecular consequence: inframe deletion.
Genome position (GRCh38, 1-based): chr7:83,155,081-83,155,140, 60 bases deleted. GRCh37 (hg19): chr7:82,784,399-82,784,458.
Other names: c.1501_1560del, p.Ser501_Ser520del (NM_014510.3).
Identifiers: ClinVar variation 1445907 (VCV001445907.6), dbSNP rs2116686347, ClinGen allele CA4321417.

ClinVar aggregate classification (germline): Uncertain significance (1 of 4 stars; one submission).

Submission:

Labcorp Genetics (formerly Invitae), Labcorp
Classification: Uncertain significance. Last evaluated: 2021-12-14. Review status: criteria provided, single submitter. Criteria: Invitae Variant Classification Sherloc (09022015). Collection method: clinical testing. Allele origin: germline.
Comment: This variant, c.1501_1560del, results in the deletion of 20 amino acid(s) of the PCLO protein (p.Ser501_Ser520del), but otherwise preserves the integrity of the reading frame. This variant is present in population databases (no rsID available, gnomAD 0.007%). This variant has not been reported in the literature in individuals affected with PCLO-related conditions. Experimental studies and prediction algorithms are not available or were not evaluated, and the functional significance of this variant is currently unknown. In summary, the available evidence is currently insufficient to determine the role of this variant in disease. Therefore, it has been classified as a Variant of Uncertain Significance.